The following is an entry in ClinVar:

NM_000038.6(APC):c.3573G>T (p.Gln1191His)

Gene: APC (APC regulator of Wnt signaling pathway; plus strand). Cytogenetic location: 5q22.2.
Variant type: single nucleotide variant.
Coding change: c.3573G>T on transcript NM_000038.6 (MANE Select); coding-DNA position 3573, G replaced by T.
Protein change: p.Gln1191His; replaces glutamine 1191 with histidine.
Molecular consequence: missense variant. On other transcripts: non-coding transcript variant (2).
Genome position (GRCh38, 1-based): chr5:112,839,167, G>T. VCF-style: chr5-112839167-G-T. GRCh37 (hg19) VCF-style: chr5-112174864-G-T.
Other names: c.3573G>T, p.Gln1191His (NM_001127510.3, NM_001354895.2, NM_001407450.1); c.3519G>T, p.Gln1173His (NM_001127511.3); c.3627G>T, p.Gln1209His (NM_001354896.2, NM_001407447.1, NM_001407448.1 and 1 more transcripts); c.3603G>T, p.Gln1201His (NM_001354897.2); c.3498G>T, p.Gln1166His (NM_001354898.2); c.3489G>T, p.Gln1163His (NM_001354899.2); c.3450G>T, p.Gln1150His (NM_001354900.2); c.3396G>T, p.Gln1132His (NM_001354901.2, NM_001407453.1); and 11 more; short protein forms Q1031H, Q1062H, Q1065H, Q1090H, Q1100H, Q1108H, Q1132H, Q1150H.
Identifiers: ClinVar variation 3230228 (VCV003230228.1), dbSNP rs2149894670, ClinGen allele CA16029180.

ClinVar aggregate classification (germline): Uncertain significance (1 of 4 stars; one submission).

Conditions:
Hereditary cancer-predisposing syndrome. Also called: Neoplastic Syndromes, Hereditary; Tumor predisposition; Hereditary neoplastic syndrome; Hereditary Cancer Syndrome. Identifiers: Orphanet 140162, MedGen C0027672, MeSH D009386, MONDO:0015356.

Submission:

Ambry Genetics
Classification: Uncertain significance for Hereditary cancer-predisposing syndrome. Last evaluated: 2024-01-19. Review status: criteria provided, single submitter. Criteria: Ambry Variant Classification Scheme 2023. Collection method: clinical testing. Allele origin: germline.
Comment: The p.Q1191H variant (also known as c.3573G>T), located in coding exon 15 of the APC gene, results from a G to T substitution at nucleotide position 3573. The glutamine at codon 1191 is replaced by histidine, an amino acid with highly similar properties. This amino acid position is conserved. In addition, in silico predictors for this gene do not accurately predict pathogenicity. Based on the available evidence, the clinical significance of this alteration remains unclear.